The following is an entry in ClinVar:

NM_032608.7(MYO18B):c.293C>G (p.Ser98Cys)

Gene: MYO18B (myosin XVIIIB; plus strand). Cytogenetic location: 22q12.1.
Variant type: single nucleotide variant.
Coding change: c.293C>G on transcript NM_032608.7 (MANE Select); coding-DNA position 293, C replaced by G.
Protein change: p.Ser98Cys; replaces serine 98 with cysteine.
Molecular consequence: missense variant.
Genome position (GRCh38, 1-based): chr22:25,768,209, C>G. VCF-style: chr22-25768209-C-G. GRCh37 (hg19) VCF-style: chr22-26164176-C-G.
Other names: c.293C>G, p.Ser98Cys (NM_001318245.2); c.293C>G (NM_032608.5); short protein forms S98C.
Identifiers: ClinVar variation 2069110 (VCV002069110.5), dbSNP rs765230212, ClinGen allele CA10159544.

ClinVar aggregate classification (germline): Uncertain significance. Review status: criteria provided, multiple submitters, no conflicts (2 of 4 stars). 2 submissions from 2 submitters: Uncertain significance (2). Last evaluated 2025-07-15.

Conditions:
Inborn genetic diseases. Identifiers: MedGen C0950123, MeSH D030342.

Allele frequency attached by ClinVar (database versions not stated): TOPMed 0.00001; gnomAD exomes 0.00001; gnomAD 0.00003; ExAC 0.00002.

Submissions (2):

Ambry Genetics
Classification: Uncertain significance for Inborn genetic diseases. Last evaluated: 2025-07-15. Review status: criteria provided, single submitter. Criteria: Ambry Variant Classification Scheme 2023. Collection method: clinical testing. Allele origin: germline.

Labcorp Genetics (formerly Invitae), Labcorp
Classification: Uncertain significance. Last evaluated: 2024-10-17. Review status: criteria provided, single submitter. Criteria: Invitae Variant Classification Sherloc (09022015). Collection method: clinical testing. Allele origin: germline.
Comment: This sequence change replaces serine, which is neutral and polar, with cysteine, which is neutral and slightly polar, at codon 98 of the MYO18B protein (p.Ser98Cys). This variant is present in population databases (rs765230212, gnomAD 0.01%). This variant has not been reported in the literature in individuals affected with MYO18B-related conditions. ClinVar contains an entry for this variant (Variation ID: 2069110). An algorithm developed to predict the effect of missense changes on protein structure and function (PolyPhen-2) suggests that this variant is likely to be disruptive. In summary, the available evidence is currently insufficient to determine the role of this variant in disease. Therefore, it has been classified as a Variant of Uncertain Significance.